The following is an entry in ClinVar:

ClinVar aggregate classification (germline): Benign/Likely benign. Review status: criteria provided, multiple submitters, no conflicts (2 of 4 stars). 4 submissions from 4 submitters: Benign (1); Likely benign (3). Last evaluated 2026-04-16.

Conditions:
DICER1-related tumor predisposition. Also called: DICER1 syndrome; DICER1-related pleuropulmonary blastoma cancer predisposition syndrome. Identifiers: Orphanet 284343, MedGen C3839822, MONDO:0100216.
Hereditary cancer-predisposing syndrome. Also called: Neoplastic Syndromes, Hereditary; Tumor predisposition; Hereditary Cancer Syndrome; Hereditary neoplastic syndrome. Identifiers: Orphanet 140162, MedGen C0027672, MeSH D009386, MONDO:0015356.

Allele frequency attached by ClinVar (database versions not stated): TOPMed below 0.00001; gnomAD 0.00001; gnomAD exomes below 0.00001.
gnomAD v4.1: 3 of 1,613,336 alleles (0.00019%); highest among the groups gnomAD compares: Non-Finnish European, 0.00017%; no homozygotes.

Submissions (4):

Myriad Genetics, Inc.
Classification: Benign for DICER1-related tumor predisposition. Last evaluated: 2026-04-16. Review status: criteria provided, single submitter. Criteria: Myriad Autosomal Dominant, Autosomal Recessive and X-Linked Classification Criteria (2023). Collection method: clinical testing. Allele origin: unknown.
Comment: This variant is considered benign. This variant is a silent/synonymous amino acid change and it is not expected to impact splicing.

Labcorp Genetics (formerly Invitae), Labcorp
Classification: Likely benign for DICER1-related tumor predisposition. Last evaluated: 2024-06-12. Review status: criteria provided, single submitter. Criteria: Invitae Variant Classification Sherloc (09022015). Collection method: clinical testing. Allele origin: germline.

Ambry Genetics
Classification: Likely benign for Hereditary cancer-predisposing syndrome. Last evaluated: 2024-03-24. Review status: criteria provided, single submitter. Criteria: Ambry Variant Classification Scheme 2023. Collection method: clinical testing. Allele origin: germline.

Sema4
Classification: Likely benign for Hereditary cancer-predisposing syndrome. Last evaluated: 2021-08-30. Review status: criteria provided, single submitter. Criteria: Sema4 Curation Guidelines. Collection method: curation. Allele origin: germline.

NM_177438.3(DICER1):c.2751A>G (p.Glu917=)

Gene: DICER1 (dicer 1, ribonuclease III; minus strand). Cytogenetic location: 14q32.13.
Variant type: single nucleotide variant.
Coding change: c.2751A>G on transcript NM_177438.3 (MANE Select); coding-DNA position 2751, A replaced by G.
Protein change: p.Glu917=; no amino-acid change (glutamic acid 917 retained).
Molecular consequence: synonymous variant.
Genome position (GRCh38, 1-based): chr14:95,107,661, T>C on the plus strand (A>G on the coding strand, the complement: DICER1 is on the minus strand). VCF-style: chr14-95107661-T-C. GRCh37 (hg19) VCF-style: chr14-95573998-T-C.
Other names: c.2751A>G, p.Glu917= (NM_001195573.1, NM_001271282.3, NM_001291628.2 and 1 more transcripts).
Identifiers: ClinVar variation 1100088 (VCV001100088.12), dbSNP rs1891557335, ClinGen allele CA487628310.